The following is an entry in ClinVar:

ClinVar aggregate classification (germline): Uncertain significance. Review status: criteria provided, multiple submitters, no conflicts (2 of 4 stars). 2 submissions from 2 submitters: Uncertain significance (2). Last evaluated 2023-04-18.

Conditions:
Hereditary breast ovarian cancer syndrome. Also called: Hereditary breast and ovarian cancer syndrome; Hereditary breast and ovarian cancer syndrome (HBOC); BRCA1- and BRCA2-Associated Hereditary Breast and Ovarian Cancer; Hereditary breast and ovarian cancer; Breast and ovarian cancer; Hereditary breast and/or ovarian cancer syndrome. Identifiers: Orphanet 145, MedGen C0677776, MeSH D061325, MONDO:0003582. Disease mechanism: loss of function.

Submissions (2):

Quest Diagnostics Nichols Institute San Juan Capistrano
Classification: Uncertain significance. Last evaluated: 2023-04-18. Review status: criteria provided, single submitter. Criteria: Quest Diagnostics criteria. Collection method: clinical testing. Allele origin: unknown.
Comment: This variant has not been reported in the published literature. It also has not been reported in large, multi-ethnic general populations. Analysis of this variant using bioinformatics tools for the prediction of the effect of amino acid changes on protein structure and function yielded predictions that this variant is benign. Additional analysis using software algorithms for the prediction of the effect of nucleotide changes on BRCA2 mRNA splicing yielded predictions that this variant may result in the gain of a cryptic splice site without affecting the natural splice sites . Based on the available information, we are unable to determine the clinical significance of this variant.

Labcorp Genetics (formerly Invitae), Labcorp
Classification: Uncertain significance for Hereditary breast ovarian cancer syndrome. Last evaluated: 2023-01-17. Review status: criteria provided, single submitter. Criteria: Invitae Variant Classification Sherloc (09022015). Collection method: clinical testing. Allele origin: germline.
Comment: In summary, the available evidence is currently insufficient to determine the role of this variant in disease. Therefore, it has been classified as a Variant of Uncertain Significance. Advanced modeling of protein sequence and biophysical properties (such as structural, functional, and spatial information, amino acid conservation, physicochemical variation, residue mobility, and thermodynamic stability) performed at Invitae indicates that this missense variant is not expected to disrupt BRCA2 protein function. This variant has not been reported in the literature in individuals affected with BRCA2-related conditions. This variant is not present in population databases (gnomAD no frequency). This sequence change replaces aspartic acid, which is acidic and polar, with glycine, which is neutral and non-polar, at codon 1280 of the BRCA2 protein (p.Asp1280Gly).

NM_000059.4(BRCA2):c.3839A>G (p.Asp1280Gly)

Gene: BRCA2 (BRCA2 DNA repair associated; plus strand). Cytogenetic location: 13q13.1.
Variant type: single nucleotide variant.
Coding change: c.3839A>G on transcript NM_000059.4 (MANE Select); coding-DNA position 3839, A replaced by G.
Protein change: p.Asp1280Gly; replaces aspartic acid 1280 with glycine.
Molecular consequence: missense variant. On other transcripts: non-coding transcript variant (1), intron variant (2).
Genome position (GRCh38, 1-based): chr13:32,338,194, A>G. VCF-style: chr13-32338194-A-G. GRCh37 (hg19) VCF-style: chr13-32912331-A-G.
Other names: c.3839A>G, p.Asp1280Gly (NM_001406719.1, NM_001406720.1); c.1909+4807A>G (NM_001406721.1); c.425-6364A>G (NM_001406722.1); short protein forms D1280G.
Identifiers: ClinVar variation 2681824 (VCV002681824.4), dbSNP rs56337919, ClinGen allele CA387778566.
Genomic context (GRCh38, chr13:32,338,194, plus strand): 5'-TATCTTCAAGTAAATGTCATGATTCTGTTGTTTCAATGTTTAAGATAGAAAATCATAATG[A>G]TAAAACTGTAAGTGAAAAAAATAATAAATGCCAACTGATATTACAAAATAATATTGAAAT-3'
Protein context (NP_000050.3, residues 1270-1290): VSMFKIENHN[Asp1280Gly]KTVSEKNNKC